The following is an entry in ClinVar:

NM_021930.6(RINT1):c.595A>G (p.Ile199Val)

Gene: RINT1 (RAD50 interactor 1; plus strand). Cytogenetic location: 7q22.3.
Variant type: single nucleotide variant.
Coding change: c.595A>G on transcript NM_021930.6 (MANE Select); coding-DNA position 595, A replaced by G.
Protein change: p.Ile199Val; replaces isoleucine 199 with valine.
Molecular consequence: missense variant. On other transcripts: 5 prime UTR variant (2), non-coding transcript variant (1), intron variant (1).
Genome position (GRCh38, 1-based): chr7:105,546,989, A>G. VCF-style: chr7-105546989-A-G. GRCh37 (hg19) VCF-style: chr7-105187436-A-G.
Other names: c.361A>G, p.Ile121Val (NM_001346599.2); c.-425A>G (NM_001346600.2); c.-328A>G (NM_001346601.2); c.-27-3066A>G (NM_001346603.2); short protein forms I199V, I121V.
Identifiers: ClinVar variation 410796 (VCV000410796.13), dbSNP rs552778762, ClinGen allele CA4426475.

ClinVar aggregate classification (germline): Uncertain significance. Review status: criteria provided, multiple submitters, no conflicts (2 of 4 stars). 2 submissions from 2 submitters: Uncertain significance (2). Last evaluated 2025-03-10.

Allele frequency attached by ClinVar (database versions not stated): gnomAD 0.00002 and 0.00003; TOPMed 0.00003; gnomAD exomes 0.00006; ExAC 0.00007; 1000 Genomes Project 30x 0.00016; 1000 Genomes Project 0.00020.
gnomAD v4.1: 15 of 1,613,954 alleles (0.00093%); highest among the groups gnomAD compares: East Asian, 0.018%; no homozygotes.

Submissions (2):

Ambry Genetics
Classification: Uncertain significance. Last evaluated: 2025-03-10. Review status: criteria provided, single submitter. Criteria: Ambry Variant Classification Scheme 2023. Collection method: clinical testing. Allele origin: germline.
Comment: The p.I199V variant (also known as c.595A>G), located in coding exon 5 of the RINT1 gene, results from an A to G substitution at nucleotide position 595. The isoleucine at codon 199 is replaced by valine, an amino acid with highly similar properties. This amino acid position is not well conserved in available vertebrate species. In addition, this alteration is predicted to be tolerated by in silico analysis. Since supporting evidence is limited at this time, the clinical significance of this alteration remains unclear.

Labcorp Genetics (formerly Invitae), Labcorp
Classification: Uncertain significance. Last evaluated: 2025-02-03. Review status: criteria provided, single submitter. Criteria: Invitae Variant Classification Sherloc (09022015). Collection method: clinical testing. Allele origin: germline.
Comment: This sequence change replaces isoleucine, which is neutral and non-polar, with valine, which is neutral and non-polar, at codon 199 of the RINT1 protein (p.Ile199Val). This variant is present in population databases (rs552778762, gnomAD 0.07%). This variant has not been reported in the literature in individuals affected with RINT1-related conditions. ClinVar contains an entry for this variant (Variation ID: 410796). An algorithm developed to predict the effect of missense changes on protein structure and function (PolyPhen-2) suggests that this variant is likely to be tolerated. In summary, the available evidence is currently insufficient to determine the role of this variant in disease. Therefore, it has been classified as a Variant of Uncertain Significance.